The following is an entry in ClinVar:

NM_001939.3(DRP2):c.335A>G (p.Gln112Arg)

Gene: DRP2 (dystrophin related protein 2; plus strand). Cytogenetic location: Xq22.1.
Variant type: single nucleotide variant.
Coding change: c.335A>G on transcript NM_001939.3 (MANE Select); coding-DNA position 335, A replaced by G.
Protein change: p.Gln112Arg; replaces glutamine 112 with arginine.
Molecular consequence: missense variant.
Genome position (GRCh38, 1-based): chrX:101,237,672, A>G. VCF-style: chrX-101237672-A-G. GRCh37 (hg19) VCF-style: chrX-100492661-A-G.
Other names: c.101A>G, p.Gln34Arg (NM_001171184.2); short protein forms Q34R, Q112R.
Identifiers: ClinVar variation 1949464 (VCV001949464.5), dbSNP rs998121576, ClinGen allele CA333089208.

ClinVar aggregate classification (germline): Uncertain significance (1 of 4 stars; one submission).

Allele frequency attached by ClinVar (database versions not stated): gnomAD exomes 0.00001; gnomAD 0.00002; TOPMed 0.00005.
gnomAD v4.1: 14 of 1,175,213 alleles (0.0012%); highest among the groups gnomAD compares: African/African-American, 0.0018%; no homozygotes.

Submission:

Labcorp Genetics (formerly Invitae), Labcorp
Classification: Uncertain significance. Last evaluated: 2024-09-15. Review status: criteria provided, single submitter. Criteria: Invitae Variant Classification Sherloc (09022015). Collection method: clinical testing. Allele origin: germline.
Comment: This sequence change replaces glutamine, which is neutral and polar, with arginine, which is basic and polar, at codon 112 of the DRP2 protein (p.Gln112Arg). This variant is present in population databases (no rsID available, gnomAD 0.004%). This variant has not been reported in the literature in individuals affected with DRP2-related conditions. ClinVar contains an entry for this variant (Variation ID: 1949464). Invitae Evidence Modeling of protein sequence and biophysical properties (such as structural, functional, and spatial information, amino acid conservation, physicochemical variation, residue mobility, and thermodynamic stability) indicates that this missense variant is not expected to disrupt DRP2 protein function with a negative predictive value of 80%. In summary, the available evidence is currently insufficient to determine the role of this variant in disease. Therefore, it has been classified as a Variant of Uncertain Significance.